The following is an entry in ClinVar:

ClinVar aggregate classification (germline): Uncertain significance (1 of 4 stars; one submission).

Submission:

Labcorp Genetics (formerly Invitae), Labcorp
Classification: Uncertain significance. Last evaluated: 2025-09-04. Review status: criteria provided, single submitter. Criteria: Invitae Variant Classification Sherloc (09022015). Collection method: clinical testing. Allele origin: germline.
Comment: This sequence change replaces cysteine, which is neutral and slightly polar, with tyrosine, which is neutral and polar, at codon 1428 of the RTTN protein (p.Cys1428Tyr). This variant is not present in population databases (gnomAD no frequency). This variant has not been reported in the literature in individuals affected with RTTN-related conditions. Invitae Evidence Modeling of protein sequence and biophysical properties (such as structural, functional, and spatial information, amino acid conservation, physicochemical variation, residue mobility, and thermodynamic stability) indicates that this missense variant is expected to disrupt RTTN protein function with a positive predictive value of 80%. In summary, the available evidence is currently insufficient to determine the role of this variant in disease. Therefore, it has been classified as a Variant of Uncertain Significance.

NM_173630.4(RTTN):c.4283G>A (p.Cys1428Tyr)

Gene: RTTN (rotatin; minus strand). Cytogenetic location: 18q22.2.
Variant type: single nucleotide variant.
Coding change: c.4283G>A on transcript NM_173630.4 (MANE Select); coding-DNA position 4283, G replaced by A.
Protein change: p.Cys1428Tyr; replaces cysteine 1428 with tyrosine.
Molecular consequence: missense variant.
Genome position (GRCh38, 1-based): chr18:70,088,008, C>T on the plus strand (G>A on the coding strand, the complement: RTTN is on the minus strand). VCF-style: chr18-70088008-C-T. GRCh37 (hg19) VCF-style: chr18-67755244-C-T.
Other names: c.1547G>A, p.Cys516Tyr (NM_001318520.2); short protein forms C1428Y, C516Y.
Identifiers: ClinVar variation 4743212 (VCV004743212.1).
Genomic context (GRCh38, chr18:70,088,008, plus strand): 5'-AAAGAATTTCTAAGGAAAAAAAGGAGAAAAGACAGACATACCTCCCGGCGCACCATACTA[C>T]ATTCTGACTGGTCCAGAAGAATGTTCACCACAGTTCCCCAGAGCCCACCGGAAATGTTCT-3'
Protein context (NP_775901.3, residues 1418-1438): VVNILLDQSE[Cys1428Tyr]SMVRREAAFI